The following is an entry in ClinVar:

NM_001297.5(CNGB1):c.1799C>T (p.Pro600Leu)

Gene: CNGB1 (cyclic nucleotide gated channel subunit beta 1; minus strand). Cytogenetic location: 16q21.
Variant type: single nucleotide variant.
Coding change: c.1799C>T on transcript NM_001297.5 (MANE Select); coding-DNA position 1799, C replaced by T.
Protein change: p.Pro600Leu; replaces proline 600 with leucine.
Molecular consequence: missense variant.
Genome position (GRCh38, 1-based): chr16:57,920,389, G>A on the plus strand (C>T on the coding strand, the complement: CNGB1 is on the minus strand). VCF-style: chr16-57920389-G-A. GRCh37 (hg19) VCF-style: chr16-57954293-G-A.
Other names: c.1781C>T, p.Pro594Leu (NM_001286130.2); c.1799C>T (NM_001297.4); short protein forms P594L, P600L.
Identifiers: ClinVar variation 1523208 (VCV001523208.5), dbSNP rs747968794, ClinGen allele CA8083300.

ClinVar aggregate classification (germline): Uncertain significance. Review status: criteria provided, multiple submitters, no conflicts (2 of 4 stars). 3 submissions from 3 submitters: Uncertain significance (3). Last evaluated 2023-02-03.

Conditions:
Inborn genetic diseases. Identifiers: MedGen C0950123, MeSH D030342.

Allele frequency attached by ClinVar (database versions not stated): ExAC 0.00001; gnomAD 0.00001 and 0.00002; gnomAD exomes 0.00001 and 0.00002; TOPMed 0.00002.
gnomAD v4.1: 26 of 1,614,006 alleles (0.0016%); highest among the groups gnomAD compares: Non-Finnish European, 0.002%; no homozygotes.

Submissions (3):

Blueprint Genetics
Classification: Uncertain significance. Last evaluated: 2023-02-03. Review status: criteria provided, single submitter. Criteria: ACMG Guidelines, 2015. Collection method: clinical testing. Allele origin: germline.

Labcorp Genetics (formerly Invitae), Labcorp
Classification: Uncertain significance. Last evaluated: 2022-08-21. Review status: criteria provided, single submitter. Criteria: Invitae Variant Classification Sherloc (09022015). Collection method: clinical testing. Allele origin: germline.
Comment: This sequence change replaces proline, which is neutral and non-polar, with leucine, which is neutral and non-polar, at codon 600 of the CNGB1 protein (p.Pro600Leu). This variant is present in population databases (rs747968794, gnomAD 0.002%). This variant has not been reported in the literature in individuals affected with CNGB1-related conditions. ClinVar contains an entry for this variant (Variation ID: 1523208). Algorithms developed to predict the effect of missense changes on protein structure and function (SIFT, PolyPhen-2, Align-GVGD) all suggest that this variant is likely to be tolerated. In summary, the available evidence is currently insufficient to determine the role of this variant in disease. Therefore, it has been classified as a Variant of Uncertain Significance.

Ambry Genetics
Classification: Uncertain significance for Inborn genetic diseases. Last evaluated: 2022-05-27. Review status: criteria provided, single submitter. Criteria: Ambry Variant Classification Scheme 2023. Collection method: clinical testing. Allele origin: germline.